The following is an entry in ClinVar:

ClinVar aggregate classification (germline): Uncertain significance (1 of 4 stars; one submission).

Submission:

Labcorp Genetics (formerly Invitae), Labcorp
Classification: Uncertain significance. Last evaluated: 2022-01-13. Review status: criteria provided, single submitter. Criteria: Invitae Variant Classification Sherloc (09022015). Collection method: clinical testing. Allele origin: germline.
Comment: In summary, the available evidence is currently insufficient to determine the role of this variant in disease. Therefore, it has been classified as a Variant of Uncertain Significance. Algorithms developed to predict the effect of missense changes on protein structure and function are either unavailable or do not agree on the potential impact of this missense change (SIFT: "Deleterious"; PolyPhen-2: "Probably Damaging"; Align-GVGD: "Class C0"). ClinVar contains an entry for this variant (Variation ID: 970558). This variant has not been reported in the literature in individuals affected with PCARE-related conditions. This variant is not present in population databases (gnomAD no frequency). This sequence change replaces histidine, which is basic and polar, with proline, which is neutral and non-polar, at codon 306 of the PCARE protein (p.His306Pro).

NM_001029883.3(PCARE):c.917A>C (p.His306Pro)

Gene: PCARE (photoreceptor cilium actin regulator; minus strand). Cytogenetic location: 2p23.2.
Variant type: single nucleotide variant.
Coding change: c.917A>C on transcript NM_001029883.3 (MANE Select); coding-DNA position 917, A replaced by C.
Protein change: p.His306Pro; replaces histidine 306 with proline.
Molecular consequence: missense variant.
Genome position (GRCh38, 1-based): chr2:29,073,345, T>G on the plus strand (A>C on the coding strand, the complement: PCARE is on the minus strand). VCF-style: chr2-29073345-T-G. GRCh37 (hg19) VCF-style: chr2-29296211-T-G.
Other names: short protein forms H306P.
Identifiers: ClinVar variation 970558 (VCV000970558.9), dbSNP rs771501919, ClinGen allele CA346481289.
Genomic context (GRCh38, chr2:29,073,345, plus strand): 5'-CTCAGAGCCCTCAGGAGGCGTTCATCCACATTCCTTTTTGTGCTCAGCTTATTTTCCAAG[T>G]GGGTTGCAGTGGAGTGGAGGTAGCTGCTGGAGCCCTCCAGGAAGCTGCCGGTGAGCGAGG-3'
Protein context (NP_001025054.1, residues 296-316): SSSYLHSTAT[His306Pro]LENKLSTKRN